The following is an entry in ClinVar:

ClinVar aggregate classification (germline): Uncertain significance (1 of 4 stars; one submission).

Conditions:
Spastic paraplegia. Identifiers: MedGen C0037772, HP:0001258.

Allele frequency attached by ClinVar (database versions not stated): gnomAD exomes 0.00001 and 0.00002; TOPMed 0.00002; ESP Exome Variant Server 0.00008.
gnomAD v4.1: 7 of 1,613,412 alleles (0.00043%); no homozygotes.

Submission:

Labcorp Genetics (formerly Invitae), Labcorp
Classification: Uncertain significance for Spastic paraplegia. Last evaluated: 2024-11-03. Review status: criteria provided, single submitter. Criteria: Invitae Variant Classification Sherloc (09022015). Collection method: clinical testing. Allele origin: germline.
Comment: This sequence change replaces glycine, which is neutral and non-polar, with alanine, which is neutral and non-polar, at codon 187 of the KIF5A protein (p.Gly187Ala). This variant is present in population databases (rs147510678, gnomAD 0.04%). This variant has not been reported in the literature in individuals affected with KIF5A-related conditions. ClinVar contains an entry for this variant (Variation ID: 1398177). Invitae Evidence Modeling of protein sequence and biophysical properties (such as structural, functional, and spatial information, amino acid conservation, physicochemical variation, residue mobility, and thermodynamic stability) has been performed for this missense variant. However, the output from this modeling did not meet the statistical confidence thresholds required to predict the impact of this variant on KIF5A protein function. In summary, the available evidence is currently insufficient to determine the role of this variant in disease. Therefore, it has been classified as a Variant of Uncertain Significance.

NM_004984.4(KIF5A):c.560G>C (p.Gly187Ala)

Gene: KIF5A (kinesin family member 5A; plus strand). Cytogenetic location: 12q13.3.
Variant type: single nucleotide variant.
Coding change: c.560G>C on transcript NM_004984.4 (MANE Select); coding-DNA position 560, G replaced by C.
Protein change: p.Gly187Ala; replaces glycine 187 with alanine.
Molecular consequence: missense variant.
Genome position (GRCh38, 1-based): chr12:57,567,184, G>C. VCF-style: chr12-57567184-G-C. GRCh37 (hg19) VCF-style: chr12-57960967-G-C.
Other names: c.293G>C, p.Gly98Ala (NM_001354705.2); short protein forms G98A, G187A.
Identifiers: ClinVar variation 1398177 (VCV001398177.6), dbSNP rs147510678, ClinGen allele CA237782076.